The following is an entry in ClinVar:

ClinVar aggregate classification (germline): Likely benign (1 of 4 stars; one submission).

Allele frequency attached by ClinVar (database versions not stated): 1000 Genomes Project 0.00339; 1000 Genomes Project 30x 0.00359; TOPMed 0.00599.
gnomAD v4.1: 1,605 of 1,213,250 alleles (0.13%); highest among the groups gnomAD compares: African/African-American, 1.9%; 16 homozygotes.

Submission:

GeneDx
Classification: Likely benign. Last evaluated: 2018-06-16. Review status: criteria provided, single submitter. Criteria: GeneDx Variant Classification (06012015). Collection method: clinical testing. Allele origin: germline. Affected: yes.
Comment: This variant is considered likely benign or benign based on one or more of the following criteria: it is a conservative change, it occurs at a poorly conserved position in the protein, it is predicted to be benign by multiple in silico algorithms, and/or has population frequency not consistent with disease.

NM_000093.5(COL5A1):c.2845-90G>A

Gene: COL5A1 (collagen type V alpha 1 chain; plus strand). Cytogenetic location: 9q34.3.
Variant type: single nucleotide variant.
Coding change: c.2845-90G>A on transcript NM_000093.5 (MANE Select); 90 bases into the intron before coding-DNA position 2845, G replaced by A.
Molecular consequence: intron variant.
Genome position (GRCh38, 1-based): chr9:134,796,758, G>A. VCF-style: chr9-134796758-G-A. GRCh37 (hg19) VCF-style: chr9-137688604-G-A.
Other names: c.2845-90G>A (NM_001278074.1).
Identifiers: ClinVar variation 675992 (VCV000675992.1), dbSNP rs140168393, ClinGen allele CA201109128.